The following is an entry in ClinVar:

NM_024675.4(PALB2):c.2504C>T (p.Ser835Phe)

Gene: PALB2 (partner and localizer of BRCA2; minus strand). Cytogenetic location: 16p12.2.
Variant type: single nucleotide variant.
Coding change: c.2504C>T on transcript NM_024675.4 (MANE Select); coding-DNA position 2504, C replaced by T.
Protein change: p.Ser835Phe; replaces serine 835 with phenylalanine.
Molecular consequence: missense variant.
Genome position (GRCh38, 1-based): chr16:23,629,650, G>A on the plus strand (C>T on the coding strand, the complement: PALB2 is on the minus strand). VCF-style: chr16-23629650-G-A. GRCh37 (hg19) VCF-style: chr16-23640971-G-A.
Other names: short protein forms S835F.
Identifiers: ClinVar variation 233364 (VCV000233364.19), dbSNP rs876660357, ClinGen allele CA10579964.
Genomic context (GRCh38, chr16:23,629,650, plus strand): 5'-AAGGCATTTCATTCCTTCAGAGAAAATTTCACAGAGGAAATGGATTGTACCTGTTCGACG[G>A]AATGTTTATGCAGCTCCTGGCATGTGTTTCTACAGAGCTGATTTTCTTTAAAAGTGAATG-3'
Protein context (NP_078951.2, residues 825-845): RNTCQELHKH[Ser835Phe]VEQTETAELP

ClinVar aggregate classification (germline): Uncertain significance. Review status: criteria provided, multiple submitters, no conflicts (2 of 4 stars). 4 submissions from 4 submitters: Uncertain significance (4). Last evaluated 2025-12-14.

Conditions:
Hereditary cancer-predisposing syndrome. Also called: Tumor predisposition; Hereditary neoplastic syndrome; Hereditary Cancer Syndrome; Neoplastic Syndromes, Hereditary. Identifiers: Orphanet 140162, MedGen C0027672, MeSH D009386, MONDO:0015356.
Familial cancer of breast. Also called: BREAST CANCER, FAMILIAL; Hereditary breast cancer; hereditary breast carcinoma. Identifiers: Orphanet 227535, MedGen C0346153, MONDO:0016419, OMIM 114480. Disease mechanism: loss of function.

Submissions (4):

Labcorp Genetics (formerly Invitae), Labcorp
Classification: Uncertain significance for Familial cancer of breast. Last evaluated: 2025-12-14. Review status: criteria provided, single submitter. Criteria: Invitae Variant Classification Sherloc (09022015). Collection method: clinical testing. Allele origin: germline.
Comment: This sequence change replaces serine, which is neutral and polar, with phenylalanine, which is neutral and non-polar, at codon 835 of the PALB2 protein (p.Ser835Phe). This variant is not present in population databases (gnomAD no frequency). This missense change has been observed in individual(s) with breast cancer (PMID: 35534704). ClinVar contains an entry for this variant (Variation ID: 233364). Invitae Evidence Modeling of protein sequence and biophysical properties (such as structural, functional, and spatial information, amino acid conservation, physicochemical variation, residue mobility, and thermodynamic stability) has been performed for this missense variant. However, the output from this modeling did not meet the statistical confidence thresholds required to predict the impact of this variant on PALB2 protein function. In summary, the available evidence is currently insufficient to determine the role of this variant in disease. Therefore, it has been classified as a Variant of Uncertain Significance.

Dasa
Classification: Uncertain significance. Last evaluated: 2025-11-25. Review status: criteria provided, single submitter. Criteria: DASA Assertion Criteria. Collection method: clinical testing. Allele origin: germline.
Comment: NM_024675.4(PALB2):c.2504C>T (p.Ser835Phe) is a missense variant that results in the substitution of serine with phenylalanine. This variant is absent from population databases. Computational prediction algorithms are consistent with a benign effect. The currently available literature and clinical evidence are not sufficient to establish a definitive association between this variant and the reported condition. Therefore, this variant is classified as a variant of uncertain significance.

Ambry Genetics
Classification: Uncertain significance for Hereditary cancer-predisposing syndrome. Last evaluated: 2024-07-09. Review status: criteria provided, single submitter. Criteria: Ambry Variant Classification Scheme 2023. Collection method: clinical testing. Allele origin: germline.
Comment: The p.S835F variant (also known as c.2504C>T), located in coding exon 5 of the PALB2 gene, results from a C to T substitution at nucleotide position 2504. The serine at codon 835 is replaced by phenylalanine, an amino acid with highly dissimilar properties. This amino acid position is well conserved in available vertebrate species. In addition, this alteration is predicted to be tolerated by in silico analysis. Since supporting evidence is limited at this time, the clinical significance of this alteration remains unclear.

Mendelics
Classification: Uncertain significance for Familial cancer of breast. Last evaluated: 2019-05-28. Review status: criteria provided, single submitter. Criteria: Mendelics Assertion Criteria 2017. Collection method: clinical testing. Allele origin: unknown.

Literature cited by the submitters: PubMed 35534704 (cited by Labcorp Genetics (formerly Invitae), Labcorp).